The following is an entry in ClinVar:

ClinVar aggregate classification (germline): Benign/Likely benign. Review status: criteria provided, multiple submitters, no conflicts (2 of 4 stars). 6 submissions from 6 submitters: Benign (4); Likely benign (1). 1 of the submissions does not count toward it. Last evaluated 2026-02-01.

Conditions:
Cardiovascular phenotype. Identifiers: MedGen CN230736.
TBX20-related disorder. Also called: TBX20-related condition.

Allele frequency attached by ClinVar (database versions not stated): ESP Exome Variant Server 0.00054; gnomAD 0.00088 and 0.00112; gnomAD exomes 0.00126 and 0.00197; TOPMed 0.00131; ExAC 0.00211; 1000 Genomes Project 30x 0.00281; 1000 Genomes Project 0.00359.
gnomAD v4.1: 1,999 of 1,614,164 alleles (0.12%); highest among the groups gnomAD compares: East Asian, 2.4%; 25 homozygotes.

Submissions (6):

Labcorp Genetics (formerly Invitae), Labcorp
Classification: Benign. Last evaluated: 2026-02-01. Review status: criteria provided, single submitter. Criteria: Invitae Variant Classification Sherloc (09022015). Collection method: clinical testing. Allele origin: germline.

Mayo Clinic Laboratories, Mayo Clinic
Classification: Benign. Last evaluated: 2025-10-21. Review status: criteria provided, single submitter. Criteria: ACMG Guidelines, 2015. Collection method: clinical testing. Allele origin: germline. Observed: 1 variant allele.
Comment: BS1, BS2, BP4, BP7

Women's Health and Genetics/Laboratory Corporation of America, LabCorp
Classification: Benign. Last evaluated: 2023-04-09. Review status: criteria provided, single submitter. Criteria: LabCorp Variant Classification Summary - May 2015. Collection method: clinical testing. Allele origin: germline.

GeneDx
Classification: Likely benign. Last evaluated: 2021-07-27. Review status: criteria provided, single submitter. Criteria: GeneDx Variant Classification Process June 2021. Collection method: clinical testing. Allele origin: germline. Affected: yes.

Ambry Genetics
Classification: Benign for Cardiovascular phenotype. Last evaluated: 2016-11-01. Review status: criteria provided, single submitter. Criteria: Ambry Variant Classification Scheme 2023. Collection method: clinical testing. Allele origin: germline.

PreventionGenetics, part of Exact Sciences
Classification: Benign for TBX20-related condition. Last evaluated: 2024-01-19. Review status: no assertion criteria provided. Collection method: clinical testing. Allele origin: germline. Not counted in ClinVar's aggregate classification.
Comment: This variant is classified as benign based on ACMG/AMP sequence variant interpretation guidelines (Richards et al. 2015 PMID: 25741868, with internal and published modifications).

NM_001077653.2(TBX20):c.501C>T (p.Ser167=)

Gene: TBX20 (T-box transcription factor 20; minus strand). Cytogenetic location: 7p14.2.
Variant type: single nucleotide variant.
Coding change: c.501C>T on transcript NM_001077653.2 (MANE Select); coding-DNA position 501, C replaced by T.
Protein change: p.Ser167=; no amino-acid change (serine 167 retained).
Molecular consequence: synonymous variant.
Genome position (GRCh38, 1-based): chr7:35,248,721, G>A on the plus strand (C>T on the coding strand, the complement: TBX20 is on the minus strand). VCF-style: chr7-35248721-G-A. GRCh37 (hg19) VCF-style: chr7-35288333-G-A.
Other names: p.Ser167=; c.501C>T, p.Ser167= (LRG_755t1, NM_001166220.1).
Identifiers: ClinVar variation 518497 (VCV000518497.19), dbSNP rs75947625, ClinGen allele CA4217497.